The following is an entry in ClinVar:

ClinVar aggregate classification (germline): Uncertain significance (1 of 4 stars; one submission).

Conditions:
Hyperekplexia 3 (HKPX3). Also called: HYPEREKPLEXIA 3, AUTOSOMAL RECESSIVE; HYPEREKPLEXIA 3, AUTOSOMAL DOMINANT. Identifiers: Orphanet 3197, MedGen C3553288, MONDO:0013827, OMIM 614618.

Allele frequency attached by ClinVar (database versions not stated): gnomAD exomes below 0.00001.

Submission:

Labcorp Genetics (formerly Invitae), Labcorp
Classification: Uncertain significance for Hyperekplexia 3. Last evaluated: 2022-03-20. Review status: criteria provided, single submitter. Criteria: Invitae Variant Classification Sherloc (09022015). Collection method: clinical testing. Allele origin: germline.
Comment: This sequence change replaces tryptophan, which is neutral and slightly polar, with arginine, which is basic and polar, at codon 728 of the SLC6A5 protein (p.Trp728Arg). This variant is not present in population databases (gnomAD no frequency). This variant has not been reported in the literature in individuals affected with SLC6A5-related conditions. Advanced modeling of protein sequence and biophysical properties (such as structural, functional, and spatial information, amino acid conservation, physicochemical variation, residue mobility, and thermodynamic stability) performed at Invitae indicates that this missense variant is not expected to disrupt SLC6A5 protein function. In summary, the available evidence is currently insufficient to determine the role of this variant in disease. Therefore, it has been classified as a Variant of Uncertain Significance.

NM_004211.5(SLC6A5):c.2182T>C (p.Trp728Arg)

Gene: SLC6A5 (solute carrier family 6 member 5; plus strand). Cytogenetic location: 11p15.1.
Variant type: single nucleotide variant.
Coding change: c.2182T>C on transcript NM_004211.5 (MANE Select); coding-DNA position 2182, T replaced by C.
Protein change: p.Trp728Arg; replaces tryptophan 728 with arginine.
Molecular consequence: missense variant.
Genome position (GRCh38, 1-based): chr11:20,652,400, T>C. VCF-style: chr11-20652400-T-C. GRCh37 (hg19) VCF-style: chr11-20673946-T-C.
Other names: c.1480T>C, p.Trp494Arg (NM_001318369.2); short protein forms W494R, W728R.
Identifiers: ClinVar variation 2112850 (VCV002112850.1), dbSNP rs1853558822, ClinGen allele CA379916097.